The following is an entry in ClinVar:

NM_004385.5(VCAN):c.7176C>T (p.Asn2392=)

Genes: VCAN (versican; plus strand), VCAN-AS1 (VCAN antisense RNA 1; minus strand). Cytogenetic location: 5q14.3.
Variant type: single nucleotide variant.
Coding change: c.7176C>T on transcript NM_004385.5 (MANE Select); coding-DNA position 7176, C replaced by T.
Protein change: p.Asn2392=; no amino-acid change (asparagine 2392 retained).
Molecular consequence: synonymous variant. On other transcripts: intron variant (2).
Genome position (GRCh38, 1-based): chr5:83,540,179, C>T. VCF-style: chr5-83540179-C-T. GRCh37 (hg19) VCF-style: chr5-82835998-C-T.
Other names: c.4215C>T, p.Asn1405= (NM_001164097.2); c.4004-5358C>T (NM_001164098.2); c.1043-5358C>T (NM_001126336.3).
Identifiers: ClinVar variation 746198 (VCV000746198.13), dbSNP rs148114239, ClinGen allele CA3333595.

ClinVar aggregate classification (germline): Benign/Likely benign. Review status: criteria provided, multiple submitters, no conflicts (2 of 4 stars). 3 submissions from 3 submitters: Benign (1); Likely benign (2). Last evaluated 2026-01-27.

Conditions:
VCAN-related disorder. Also called: VCAN-related condition.

Allele frequency attached by ClinVar (database versions not stated): gnomAD exomes 0.00010 and 0.00032; ExAC 0.00036; ESP Exome Variant Server 0.00100; TOPMed 0.00124; gnomAD 0.00133 and 0.00138; 1000 Genomes Project 0.00200; 1000 Genomes Project 30x 0.00234.
gnomAD v4.1: 359 of 1,613,996 alleles (0.022%); highest among the groups gnomAD compares: African/African-American, 0.4%; no homozygotes.

Submissions (3):

Labcorp Genetics (formerly Invitae), Labcorp
Classification: Benign. Last evaluated: 2026-01-27. Review status: criteria provided, single submitter. Criteria: Invitae Variant Classification Sherloc (09022015). Collection method: clinical testing. Allele origin: germline.

PreventionGenetics, part of Exact Sciences
Classification: Likely benign for VCAN-related condition. Last evaluated: 2024-12-23. Review status: criteria provided, single submitter. Criteria: ACMG Guidelines, 2015. Collection method: clinical testing. Allele origin: germline.
Comment: This variant is classified as likely benign based on ACMG/AMP sequence variant interpretation guidelines (Richards et al. 2015 PMID: 25741868, with internal and published modifications).

Blueprint Genetics
Classification: Likely benign. Last evaluated: 2024-09-24. Review status: criteria provided, single submitter. Criteria: ACMG Guidelines, 2015. Collection method: clinical testing. Allele origin: germline.